The following is an entry in ClinVar:

NM_001277115.2(DNAH11):c.7946C>T (p.Pro2649Leu)

Gene: DNAH11 (dynein axonemal heavy chain 11; plus strand). Cytogenetic location: 7p15.3.
Variant type: single nucleotide variant.
Coding change: c.7946C>T on transcript NM_001277115.2 (MANE Select); coding-DNA position 7946, C replaced by T.
Protein change: p.Pro2649Leu; replaces proline 2649 with leucine.
Molecular consequence: missense variant.
Genome position (GRCh38, 1-based): chr7:21,741,958, C>T. VCF-style: chr7-21741958-C-T. GRCh37 (hg19) VCF-style: chr7-21781576-C-T.
Other names: c.7967C>T, p.Pro2656Leu (NM_003777.3); short protein forms P2649L, P2656L.
Identifiers: ClinVar variation 3221494 (VCV003221494.1), dbSNP rs1785919312, ClinGen allele CA366951680.
Genomic context (GRCh38, chr7:21,741,958, plus strand): 5'-TACACTCTTATATTTGCTTTTCTTTTCAGAGACATTTCACAGTGTTTGCATTCAATTTTC[C>T]ATCTTTGGATGCACTAAACACCATCTATGGCCAAATCTTTAGCTTCCATTTCCAACAGCA-3'
Protein context (NP_001264044.1, residues 2639-2659): RHFTVFAFNF[Pro2649Leu]SLDALNTIYG

ClinVar aggregate classification (germline): Uncertain significance (1 of 4 stars; one submission).

Conditions:
Primary ciliary dyskinesia. Also called: Ciliary dyskinesia. Identifiers: Orphanet 244, MedGen C0008780, MONDO:0016575, HP:0012265.

Allele frequency attached by ClinVar (database versions not stated): gnomAD exomes below 0.00001.
gnomAD v4.1: 1 of 1,613,742 alleles (0.000062%); highest among the groups gnomAD compares: Admixed American, 0.0017%; no homozygotes.

Submission:

Ambry Genetics
Classification: Uncertain significance for Primary ciliary dyskinesia. Last evaluated: 2024-01-16. Review status: criteria provided, single submitter. Criteria: Ambry Variant Classification Scheme 2023. Collection method: clinical testing. Allele origin: germline.
Comment: The p.P2649L variant (also known as c.7946C>T), located in coding exon 49 of the DNAH11 gene, results from a C to T substitution at nucleotide position 7946. The proline at codon 2649 is replaced by leucine, an amino acid with similar properties. This amino acid position is conserved. In addition, the in silico prediction for this alteration is inconclusive. Since supporting evidence is limited at this time, the clinical significance of this alteration remains unclear.